The following is an entry in ClinVar:

ClinVar aggregate classification (germline): Uncertain significance (1 of 4 stars; one submission).

gnomAD v4.1: 1 of 1,610,654 alleles (0.000062%); highest among the groups gnomAD compares: Non-Finnish European, 0.000085%; no homozygotes.

Submission:

Labcorp Genetics (formerly Invitae), Labcorp
Classification: Uncertain significance. Last evaluated: 2021-12-15. Review status: criteria provided, single submitter. Criteria: Invitae Variant Classification Sherloc (09022015). Collection method: clinical testing. Allele origin: germline.
Comment: In summary, the available evidence is currently insufficient to determine the role of this variant in disease. Therefore, it has been classified as a Variant of Uncertain Significance. Algorithms developed to predict the effect of sequence changes on RNA splicing suggest that this variant may create or strengthen a splice site. Algorithms developed to predict the effect of missense changes on protein structure and function (SIFT, PolyPhen-2, Align-GVGD) all suggest that this variant is likely to be disruptive. This variant has not been reported in the literature in individuals affected with PHYH-related conditions. This variant is not present in population databases (gnomAD no frequency). This sequence change replaces tryptophan, which is neutral and slightly polar, with cysteine, which is neutral and slightly polar, at codon 324 of the PHYH protein (p.Trp324Cys).

NM_006214.4(PHYH):c.972G>T (p.Trp324Cys)

Gene: PHYH (phytanoyl-CoA 2-hydroxylase; minus strand). Cytogenetic location: 10p13.
Variant type: single nucleotide variant.
Coding change: c.972G>T on transcript NM_006214.4 (MANE Select); coding-DNA position 972, G replaced by T.
Protein change: p.Trp324Cys; replaces tryptophan 324 with cysteine.
Molecular consequence: missense variant.
Genome position (GRCh38, 1-based): chr10:13,278,346, C>A on the plus strand (G>T on the coding strand, the complement: PHYH is on the minus strand). VCF-style: chr10-13278346-C-A. GRCh37 (hg19) VCF-style: chr10-13320346-C-A.
Other names: c.672G>T, p.Trp224Cys (NM_001037537.2, NM_001323080.2); c.978G>T, p.Trp326Cys (NM_001323082.2); c.708G>T, p.Trp236Cys (NM_001323083.2); c.678G>T, p.Trp226Cys (NM_001323084.2); short protein forms W236C, W224C, W226C, W326C, W324C.
Identifiers: ClinVar variation 1448580 (VCV001448580.6), dbSNP rs2131627137, ClinGen allele CA376050440.